The following is an entry in ClinVar:

ClinVar aggregate classification (germline): Uncertain significance (1 of 4 stars; one submission).

gnomAD v4.1: 3 of 1,612,114 alleles (0.00019%); highest among the groups gnomAD compares: Non-Finnish European, 0.00025%; no homozygotes.

Submission:

Labcorp Genetics (formerly Invitae), Labcorp
Classification: Uncertain significance. Last evaluated: 2025-10-22. Review status: criteria provided, single submitter. Criteria: Invitae Variant Classification Sherloc (09022015). Collection method: clinical testing. Allele origin: germline.
Comment: This sequence change replaces valine, which is neutral and non-polar, with aspartic acid, which is acidic and polar, at codon 68 of the PLOD2 protein (p.Val68Asp). This variant is not present in population databases (gnomAD no frequency). This variant has not been reported in the literature in individuals affected with PLOD2-related conditions. ClinVar contains an entry for this variant (Variation ID: 1994839). An algorithm developed to predict the effect of missense changes on protein structure and function (PolyPhen-2) suggests that this variant is likely to be disruptive. In summary, the available evidence is currently insufficient to determine the role of this variant in disease. Therefore, it has been classified as a Variant of Uncertain Significance.

NM_182943.3(PLOD2):c.203T>A (p.Val68Asp)

Gene: PLOD2 (procollagen-lysine,2-oxoglutarate 5-dioxygenase 2; minus strand). Cytogenetic location: 3q24.
Variant type: single nucleotide variant.
Coding change: c.203T>A on transcript NM_182943.3 (MANE Select); coding-DNA position 203, T replaced by A.
Protein change: p.Val68Asp; replaces valine 68 with aspartic acid.
Molecular consequence: missense variant.
Genome position (GRCh38, 1-based): chr3:146,121,247, A>T on the plus strand (T>A on the coding strand, the complement: PLOD2 is on the minus strand). VCF-style: chr3-146121247-A-T. GRCh37 (hg19) VCF-style: chr3-145839034-A-T.
Other names: c.203T>A, p.Val68Asp (NM_000935.3); short protein forms V68D.
Identifiers: ClinVar variation 1994839 (VCV001994839.4), dbSNP rs2473361650, ClinGen allele CA354885673.